The following is an entry in ClinVar:

ClinVar aggregate classification (germline): Uncertain significance (0 of 4 stars; one submission).

Conditions:
COL4A1-related disorder. Also called: COL4A1-related disorders; COL4A1-related condition. Identifiers: MedGen CN376119, MONDO:0800461.

Submission:

PreventionGenetics, part of Exact Sciences
Classification: Uncertain significance for COL4A1-related condition. Last evaluated: 2024-08-26. Review status: no assertion criteria provided. Collection method: clinical testing. Allele origin: germline.
Comment: The COL4A1 c.4462G>C variant is predicted to result in the amino acid substitution p.Gly1488Arg. To our knowledge, this variant has not been reported in the literature or in a large population database, indicating this variant is rare. At this time, the clinical significance of this variant is uncertain due to the absence of conclusive functional and genetic evidence.

NM_001845.6(COL4A1):c.4462G>C (p.Gly1488Arg)

Gene: COL4A1 (collagen type IV alpha 1 chain; minus strand). Cytogenetic location: 13q34.
Variant type: single nucleotide variant.
Coding change: c.4462G>C on transcript NM_001845.6 (MANE Select); coding-DNA position 4462, G replaced by C.
Protein change: p.Gly1488Arg; replaces glycine 1488 with arginine.
Molecular consequence: missense variant.
Genome position (GRCh38, 1-based): chr13:110,162,230, C>G on the plus strand (G>C on the coding strand, the complement: COL4A1 is on the minus strand). VCF-style: chr13-110162230-C-G. GRCh37 (hg19) VCF-style: chr13-110814577-C-G.
Other names: short protein forms G1488R.
Identifiers: ClinVar variation 3347554 (VCV003347554.1).
Genomic context (GRCh38, chr13:110,162,230, plus strand): 5'-ACACCGAAGGCACTCAACACACCTACACTGAATGAATGCATGGATCTGCAGGCTTCTTAC[C>G]CAAGTCCTGGCCATGGGCCCGTTCATTGCCTTGCACGTAGAGCAAAGAGTACCCGTGGTA-3'
Protein context (NP_001836.3, residues 1478-1498): GNERAHGQDL[Gly1488Arg]TAGSCLRKFS